The following is an entry in ClinVar:

NC_000001.10:g.(?_215799113)_(215853728_?)del

Gene: USH2A (usherin; minus strand). Cytogenetic location: 1q41.
Variant type: Deletion.
Identifiers: ClinVar variation 1068614 (VCV001068614.6).

ClinVar aggregate classification (germline): Pathogenic (1 of 4 stars; one submission).

Submission:

Labcorp Genetics (formerly Invitae), Labcorp
Classification: Pathogenic. Last evaluated: 2021-08-12. Review status: criteria provided, single submitter. Criteria: Invitae Variant Classification Sherloc (09022015). Collection method: clinical testing. Allele origin: germline.
Comment: This variant is a gross deletion of the genomic region encompassing exon(s) 62-72 of the USH2A gene, which includes the termination codon. This deletion extends beyond the assayed region for this gene and therefore may encompass additional genes. While this deletion is not anticipated to lead to nonsense mediated decay, it is expected to alter mRNA translation or result in a truncated protein product. This variant has not been reported in the literature in individuals affected with USH2A-related conditions. This variant disrupts a region of the USH2A protein in which other variant(s) (p.Val4712_Leu5202del) have been determined to be pathogenic (Invitae). This suggests that this is a clinically significant region of the protein, and that variants that disrupt it are likely to be disease-causing. For these reasons, this variant has been classified as Pathogenic.